The following is an entry in ClinVar:

ClinVar aggregate classification (germline): Likely benign. Review status: criteria provided, multiple submitters, no conflicts (2 of 4 stars). 3 submissions from 3 submitters: Likely benign (2). 1 of the submissions does not count toward it. Last evaluated 2025-11-27.

Conditions:
KIAA1549-related disorder. Also called: KIAA1549-related condition.

Allele frequency attached by ClinVar (database versions not stated): 1000 Genomes Project 30x 0.00016; 1000 Genomes Project 0.00020; TOPMed 0.00029; gnomAD 0.00033 and 0.00034; gnomAD exomes 0.00038 and 0.00051; ExAC 0.00062; ESP Exome Variant Server 0.00064.
gnomAD v4.1: 820 of 1,613,914 alleles (0.051%); highest among the groups gnomAD compares: Non-Finnish European, 0.062%; 3 homozygotes.

Submissions (3):

Labcorp Genetics (formerly Invitae), Labcorp
Classification: Likely benign. Last evaluated: 2025-11-27. Review status: criteria provided, single submitter. Criteria: Invitae Variant Classification Sherloc (09022015). Collection method: clinical testing. Allele origin: germline.

Blueprint Genetics
Classification: Likely benign. Last evaluated: 2024-10-17. Review status: criteria provided, single submitter. Criteria: ACMG Guidelines, 2015. Collection method: clinical testing. Allele origin: germline.

PreventionGenetics, part of Exact Sciences
Classification: Likely benign for KIAA1549-related condition. Last evaluated: 2019-07-16. Review status: no assertion criteria provided. Collection method: clinical testing. Allele origin: germline. Not counted in ClinVar's aggregate classification.
Comment: This variant is classified as likely benign based on ACMG/AMP sequence variant interpretation guidelines (Richards et al. 2015 PMID: 25741868, with internal and published modifications).

NM_001164665.2(KIAA1549):c.4872C>T (p.Ser1624=)

Gene: KIAA1549 (KIAA1549; minus strand). Cytogenetic location: 7q34.
Variant type: single nucleotide variant.
Coding change: c.4872C>T on transcript NM_001164665.2 (MANE Select); coding-DNA position 4872, C replaced by T.
Protein change: p.Ser1624=; no amino-acid change (serine 1624 retained).
Molecular consequence: synonymous variant.
Genome position (GRCh38, 1-based): chr7:138,868,032, G>A on the plus strand (C>T on the coding strand, the complement: KIAA1549 is on the minus strand). VCF-style: chr7-138868032-G-A. GRCh37 (hg19) VCF-style: chr7-138552778-G-A.
Other names: c.4872C>T (NM_001164665.1); c.4872C>T, p.Ser1624= (NM_020910.3).
Identifiers: ClinVar variation 1581488 (VCV001581488.11), dbSNP rs372640527, ClinGen allele CA4505729.
Genomic context (GRCh38, chr7:138,868,032, plus strand): 5'-CACTGGGCATCCGATGTAGGCTGAGTTGTGGACGCCGGGGGGCCTCCTGTAGGTGCCATC[G>A]CTGTCTGTGGTGATGAGCCGGTCCTTCTCAGCGTCGGCAGGACAGCCGTTGACCTGGTGT-3'
Protein context (NP_001158137.1, residues 1614-1634): AEKDRLITTD[Ser1624=]DGTYRRPPGV